The following is an entry in ClinVar:

NM_001003694.2(BRPF1):c.3206-4G>A

Gene: BRPF1 (bromodomain and PHD finger containing 1; plus strand). Cytogenetic location: 3p25.3.
Variant type: single nucleotide variant.
Coding change: c.3206-4G>A on transcript NM_001003694.2 (MANE Select); 4 bases into the intron before coding-DNA position 3206, G replaced by A.
Molecular consequence: intron variant.
Genome position (GRCh38, 1-based): chr3:9,745,808, G>A. VCF-style: chr3-9745808-G-A. GRCh37 (hg19) VCF-style: chr3-9787492-G-A.
Other names: c.3203-4G>A (NM_001410704.1); c.3188-4G>A (NM_004634.3); c.2903-4G>A (NM_001319049.2); c.3185-4G>A (NM_001319050.2).
Identifiers: ClinVar variation 3051507 (VCV003051507.2), dbSNP rs201889001, ClinGen allele CA2242352.

ClinVar aggregate classification (germline): Likely benign (0 of 4 stars; one submission).

Conditions:
BRPF1-related disorder. Also called: BRPF1-related condition.

Allele frequency attached by ClinVar (database versions not stated): ExAC 0.00017; gnomAD 0.00025; ESP Exome Variant Server 0.00031; gnomAD exomes 0.00046.
gnomAD v4.1: 701 of 1,613,414 alleles (0.043%); highest among the groups gnomAD compares: Non-Finnish European, 0.056%; no homozygotes.

Submission:

PreventionGenetics, part of Exact Sciences
Classification: Likely benign for BRPF1-related condition. Last evaluated: 2019-03-15. Review status: no assertion criteria provided. Collection method: clinical testing. Allele origin: germline.
Comment: This variant is classified as likely benign based on ACMG/AMP sequence variant interpretation guidelines (Richards et al. 2015 PMID: 25741868, with internal and published modifications).